The following is an entry in ClinVar:

NM_001134407.3(GRIN2A):c.4320_4324del (p.Thr1441fs)

Gene: GRIN2A (glutamate ionotropic receptor NMDA type subunit 2A; minus strand). Cytogenetic location: 16p13.2.
Variant type: Deletion.
Coding change: c.4320_4324del on transcript NM_001134407.3 (MANE Select); coding-DNA positions 4320 to 4324, 5 bases deleted (TACCC; older notation c.4320_4324delTACCC).
Protein change: p.Thr1441fs; shifts the reading frame from threonine 1441.
Molecular consequence: frameshift variant. On other transcripts: 3 prime UTR variant (1).
Genome position (GRCh38, 1-based): chr16:9,763,220-9,763,224, GGGTA deleted on the plus strand (TACCC on the coding strand, the reverse complement: GRIN2A is on the minus strand); deleting any 5 consecutive bases within chr16:9,763,220-9,763,225 gives the same sequence; the c. name uses the placement nearest the transcript's 3' end. VCF-style (leftmost placement, unchanged base first): chr16-9763219-GGGGTA-G. GRCh37 (hg19) VCF-style: chr16-9857076-GGGGTA-G.
Other names: c.4320_4324del, p.Thr1441fs (NM_000833.5); c.*131_*135del (NM_001134408.2); short protein forms T1441fs.
Identifiers: ClinVar variation 952450 (VCV000952450.8), dbSNP rs1900666405, ClinGen allele CA1139664494.

ClinVar aggregate classification (germline): Pathogenic (1 of 4 stars; one submission).

Conditions:
Landau-Kleffner syndrome (FESD). Also called: EPILEPSY, FOCAL, WITH SPEECH DISORDER AND WITH OR WITHOUT MENTAL RETARDATION; APHASIA, ACQUIRED, WITH EPILEPSY. Identifiers: Orphanet 1945, Orphanet 725, Orphanet 98818, MedGen C0282512, MONDO:0009509, OMIM 245570.

Submission:

Labcorp Genetics (formerly Invitae), Labcorp
Classification: Pathogenic for Landau-Kleffner syndrome. Last evaluated: 2025-01-15. Review status: criteria provided, single submitter. Criteria: Invitae Variant Classification Sherloc (09022015). Collection method: clinical testing. Allele origin: germline.
Comment: This sequence change creates a premature translational stop signal (p.Thr1441Glnfs*9) in the GRIN2A gene. While this is not anticipated to result in nonsense mediated decay, it is expected to disrupt the last 24 amino acid(s) of the GRIN2A protein. This variant is not present in population databases (gnomAD no frequency). This variant has not been reported in the literature in individuals affected with GRIN2A-related conditions. ClinVar contains an entry for this variant (Variation ID: 952450). This variant disrupts a region of the GRIN2A protein in which other variant(s) (p.Ser1459Gly) have been determined to be pathogenic (PMID: 28554332, 32877683). This suggests that this is a clinically significant region of the protein, and that variants that disrupt it are likely to be disease-causing. For these reasons, this variant has been classified as Pathogenic.

Literature cited by the submitters: PubMed 28554332; PubMed 32877683.